The following is an entry in ClinVar:

NM_000143.4(FH):c.271C>G (p.Pro91Ala)

Gene: FH (fumarate hydratase; minus strand). Cytogenetic location: 1q43.
Variant type: single nucleotide variant.
Coding change: c.271C>G on transcript NM_000143.4 (MANE Select); coding-DNA position 271, C replaced by G.
Protein change: p.Pro91Ala; replaces proline 91 with alanine.
Molecular consequence: missense variant.
Genome position (GRCh38, 1-based): chr1:241,513,710, G>C on the plus strand (C>G on the coding strand, the complement: FH is on the minus strand). VCF-style: chr1-241513710-G-C. GRCh37 (hg19) VCF-style: chr1-241677010-G-C.
Other names: c.271C>G (NM_000143.3); short protein forms P91A.
Identifiers: ClinVar variation 1491894 (VCV001491894.9), dbSNP rs1171873052, ClinGen allele CA345441113.

ClinVar aggregate classification (germline): Uncertain significance. Review status: criteria provided, multiple submitters, no conflicts (2 of 4 stars). 2 submissions from 2 submitters: Uncertain significance (2). Last evaluated 2025-10-25.

Conditions:
Hereditary cancer-predisposing syndrome. Also called: Tumor predisposition; Hereditary neoplastic syndrome; Neoplastic Syndromes, Hereditary; Hereditary Cancer Syndrome. Identifiers: Orphanet 140162, MedGen C0027672, MeSH D009386, MONDO:0015356.

Allele frequency attached by ClinVar (database versions not stated): gnomAD 0.00001.
gnomAD v4.1: 1 of 1,612,448 alleles (0.000062%); highest among the groups gnomAD compares: African/African-American, 0.0013%; no homozygotes.

Submissions (2):

Ambry Genetics
Classification: Uncertain significance for Hereditary cancer-predisposing syndrome. Last evaluated: 2025-10-25. Review status: criteria provided, single submitter. Criteria: Ambry Variant Classification Scheme 2023. Collection method: clinical testing. Allele origin: germline.
Comment: The p.P91A variant (also known as c.271C>G), located in coding exon 3 of the FH gene, results from a C to G substitution at nucleotide position 271. The proline at codon 91 is replaced by alanine, an amino acid with highly similar properties. This amino acid position is conserved. In addition, the in silico prediction for this alteration is inconclusive. Based on the available evidence, the clinical significance of this variant remains unclear.

Labcorp Genetics (formerly Invitae), Labcorp
Classification: Uncertain significance. Last evaluated: 2024-03-07. Review status: criteria provided, single submitter. Criteria: Invitae Variant Classification Sherloc (09022015). Collection method: clinical testing. Allele origin: germline.
Comment: This sequence change replaces proline, which is neutral and non-polar, with alanine, which is neutral and non-polar, at codon 91 of the FH protein (p.Pro91Ala). This variant is present in population databases (no rsID available, gnomAD 0.01%). This variant has not been reported in the literature in individuals affected with FH-related conditions. ClinVar contains an entry for this variant (Variation ID: 1491894). Advanced modeling of protein sequence and biophysical properties (such as structural, functional, and spatial information, amino acid conservation, physicochemical variation, residue mobility, and thermodynamic stability) performed at Invitae indicates that this missense variant is not expected to disrupt FH protein function with a negative predictive value of 95%. In summary, the available evidence is currently insufficient to determine the role of this variant in disease. Therefore, it has been classified as a Variant of Uncertain Significance.